The following is an entry in ClinVar:

ClinVar aggregate classification (germline): Conflicting classifications of pathogenicity. Review status: criteria provided, conflicting classifications (1 of 4 stars). 5 submissions from 5 submitters: Uncertain significance (3); Likely benign (2). Last evaluated 2025-06-24.

Conditions:
Inborn genetic diseases. Identifiers: MedGen C0950123, MeSH D030342.

Allele frequency attached by ClinVar (database versions not stated): ExAC 0.00002; gnomAD exomes 0.00007; gnomAD 0.00008; TOPMed 0.00009.
gnomAD v4.1: 120 of 1,612,950 alleles (0.0074%); highest among the groups gnomAD compares: African/African-American, 0.0093%; no homozygotes.

Submissions (5):

Mayo Clinic Laboratories, Mayo Clinic
Classification: Uncertain significance. Last evaluated: 2025-06-24. Review status: criteria provided, single submitter. Criteria: ACMG Guidelines, 2015. Collection method: clinical testing. Allele origin: germline. Observed: 1 variant allele.
Comment: BP4

Women's Health and Genetics/Laboratory Corporation of America, LabCorp
Classification: Likely benign. Last evaluated: 2025-01-07. Review status: criteria provided, single submitter. Criteria: LabCorp Variant Classification Summary - May 2015. Collection method: clinical testing. Allele origin: germline.
Comment: Variant summary: CACNA1G c.3449G>A (p.Arg1150Gln) results in a conservative amino acid change in the encoded protein sequence. Three of five in-silico tools predict a benign effect of the variant on protein function. The variant allele was found at a frequency of 7.5e-05 in 1605992 control chromosomes (i.e. in 120 carriers) in the gnomAD database (v4.1 dataset). The occurrence in several carriers suggests that this variant is likely not associated with a high penetrance, severe disease phenotype in heterozygous state. To our knowledge, no occurrence of c.3449G>A in individuals affected with Spinocerebellar Ataxia Type 42 and no experimental evidence demonstrating its impact on protein function have been reported. ClinVar contains an entry for this variant (Variation ID: 2163819). Based on the evidence outlined above, the variant was classified as likely benign.

CeGaT Center for Human Genetics Tuebingen
Classification: Uncertain significance. Last evaluated: 2022-10-01. Review status: criteria provided, single submitter. Criteria: CeGaT Center For Human Genetics Tuebingen Variant Classification Criteria Version 2. Collection method: clinical testing. Allele origin: germline. Affected: yes. Observed: 1 variant allele.

Labcorp Genetics (formerly Invitae), Labcorp
Classification: Likely benign. Last evaluated: 2022-09-21. Review status: criteria provided, single submitter. Criteria: Invitae Variant Classification Sherloc (09022015). Collection method: clinical testing. Allele origin: germline.

Ambry Genetics
Classification: Uncertain significance for Inborn genetic diseases. Last evaluated: 2021-07-08. Review status: criteria provided, single submitter. Criteria: Ambry Variant Classification Scheme 2023. Collection method: clinical testing. Allele origin: germline.

NM_018896.5(CACNA1G):c.3449G>A (p.Arg1150Gln)

Gene: CACNA1G (calcium voltage-gated channel subunit alpha1 G; plus strand). Cytogenetic location: 17q21.33.
Variant type: single nucleotide variant.
Coding change: c.3449G>A on transcript NM_018896.5 (MANE Select); coding-DNA position 3449, G replaced by A.
Protein change: p.Arg1150Gln; replaces arginine 1150 with glutamine.
Molecular consequence: missense variant. On other transcripts: non-coding transcript variant (5).
Genome position (GRCh38, 1-based): chr17:50,599,618, G>A. VCF-style: chr17-50599618-G-A. GRCh37 (hg19) VCF-style: chr17-48676979-G-A.
Other names: p.Arg1150Gln; c.3449G>A, p.Arg1150Gln (NM_001256324.2, NM_001256325.2, NM_001256326.2 and 16 more transcripts); c.3380G>A, p.Arg1127Gln (NM_001256332.2, NM_198376.3, NM_198379.3 and 5 more transcripts); c.3449G>A (NM_018896.3); short protein forms R1150Q, R1127Q.
Identifiers: ClinVar variation 2163819 (VCV002163819.30), dbSNP rs760153204, ClinGen allele CA8652723.